The following is an entry in ClinVar:

NM_000287.4(PEX6):c.212del (p.Pro71fs)

Gene: PEX6 (peroxisomal biogenesis factor 6; minus strand). Cytogenetic location: 6p21.1.
Variant type: Deletion.
Coding change: c.212del on transcript NM_000287.4 (MANE Select); coding-DNA position 212, one base deleted (C; older notation c.212delC).
Protein change: p.Pro71fs; shifts the reading frame from proline 71.
Molecular consequence: frameshift variant. On other transcripts: non-coding transcript variant (1).
Genome position (GRCh38, 1-based): chr6:42,978,939, G deleted on the plus strand (C on the coding strand, the reverse complement: PEX6 is on the minus strand); the first of 2 consecutive G bases (chr6:42,978,939-42,978,940); deleting either gives the same sequence. VCF-style (leftmost placement, unchanged base first): chr6-42978938-CG-C. GRCh37 (hg19) VCF-style: chr6-42946676-CG-C.
Other names: c.212del, p.Pro71fs (NM_001316313.2); short protein forms P71fs.
Identifiers: ClinVar variation 1438556 (VCV001438556.6), dbSNP rs2150240582, ClinGen allele CA2573140787.

ClinVar aggregate classification (germline): Pathogenic (1 of 4 stars; one submission).

Conditions:
Peroxisome biogenesis disorder. Identifiers: Orphanet 79189, MedGen C1832200, MONDO:0019234. Disease mechanism: loss of function.

Submission:

Labcorp Genetics (formerly Invitae), Labcorp
Classification: Pathogenic for Peroxisome biogenesis disorder. Last evaluated: 2021-11-05. Review status: criteria provided, single submitter. Criteria: Invitae Variant Classification Sherloc (09022015). Collection method: clinical testing. Allele origin: germline.
Comment: This sequence change creates a premature translational stop signal (p.Pro71Argfs*33) in the PEX6 gene. It is expected to result in an absent or disrupted protein product. Loss-of-function variants in PEX6 are known to be pathogenic (PMID: 8670792, 19877282, 21031596). This variant is not present in population databases (gnomAD no frequency). This variant has not been reported in the literature in individuals affected with PEX6-related conditions. For these reasons, this variant has been classified as Pathogenic.

Literature cited by the submitters: PubMed 8670792; PubMed 19877282; PubMed 21031596.